The following is an entry in ClinVar:

ClinVar aggregate classification (germline): Uncertain significance (1 of 4 stars; one submission).

Submission:

Labcorp Genetics (formerly Invitae), Labcorp
Classification: Uncertain significance. Last evaluated: 2025-01-08. Review status: criteria provided, single submitter. Criteria: Invitae Variant Classification Sherloc (09022015). Collection method: clinical testing. Allele origin: germline.
Comment: This sequence change replaces serine, which is neutral and polar, with threonine, which is neutral and polar, at codon 129 of the MATN3 protein (p.Ser129Thr). This variant is not present in population databases (gnomAD no frequency). This variant has not been reported in the literature in individuals affected with MATN3-related conditions. Invitae Evidence Modeling of protein sequence and biophysical properties (such as structural, functional, and spatial information, amino acid conservation, physicochemical variation, residue mobility, and thermodynamic stability) indicates that this missense variant is not expected to disrupt MATN3 protein function with a negative predictive value of 80%. In summary, the available evidence is currently insufficient to determine the role of this variant in disease. Therefore, it has been classified as a Variant of Uncertain Significance.

NM_002381.5(MATN3):c.386G>C (p.Ser129Thr)

Gene: MATN3 (matrilin 3; minus strand). Cytogenetic location: 2p24.1.
Variant type: single nucleotide variant.
Coding change: c.386G>C on transcript NM_002381.5 (MANE Select); coding-DNA position 386, G replaced by C.
Protein change: p.Ser129Thr; replaces serine 129 with threonine.
Molecular consequence: missense variant.
Genome position (GRCh38, 1-based): chr2:20,006,148, C>G on the plus strand (G>C on the coding strand, the complement: MATN3 is on the minus strand). VCF-style: chr2-20006148-C-G. GRCh37 (hg19) VCF-style: chr2-20205909-C-G.
Other names: short protein forms S129T.
Identifiers: ClinVar variation 3665330 (VCV003665330.2).